The following is an entry in ClinVar:

NM_018060.4(IARS2):c.1480-306C>T

Gene: IARS2 (isoleucyl-tRNA synthetase 2, mitochondrial; plus strand). Cytogenetic location: 1q41.
Variant type: single nucleotide variant.
Coding change: c.1480-306C>T on transcript NM_018060.4 (MANE Select); 306 bases into the intron before coding-DNA position 1480, C replaced by T.
Molecular consequence: intron variant.
Genome position (GRCh38, 1-based): chr1:220,114,008, C>T. VCF-style: chr1-220114008-C-T. GRCh37 (hg19) VCF-style: chr1-220287350-C-T.
Identifiers: ClinVar variation 680672 (VCV000680672.1), dbSNP rs75886035, ClinGen allele CA15081449.

ClinVar aggregate classification (germline): Benign (1 of 4 stars; one submission).

Allele frequency attached by ClinVar (database versions not stated): 1000 Genomes Project 30x 0.06496; TOPMed 0.06502; 1000 Genomes Project 0.06769; gnomAD 0.06854 and 0.07140.
gnomAD v4.1: 10,893 of 152,100 alleles (7.2%); highest among the groups gnomAD compares: South Asian, 15%; 523 homozygotes.

Submission:

GeneDx
Classification: Benign. Last evaluated: 2018-06-14. Review status: criteria provided, single submitter. Criteria: GeneDx Variant Classification (06012015). Collection method: clinical testing. Allele origin: germline. Affected: yes.
Comment: This variant is considered likely benign or benign based on one or more of the following criteria: it is a conservative change, it occurs at a poorly conserved position in the protein, it is predicted to be benign by multiple in silico algorithms, and/or has population frequency not consistent with disease.